The following is an entry in ClinVar:

NM_021008.4(DEAF1):c.898T>C (p.Tyr300His)

Gene: DEAF1 (DEAF1 transcription factor; minus strand). Cytogenetic location: 11p15.5.
Variant type: single nucleotide variant.
Coding change: c.898T>C on transcript NM_021008.4 (MANE Select); coding-DNA position 898, T replaced by C.
Protein change: p.Tyr300His; replaces tyrosine 300 with histidine.
Molecular consequence: missense variant. On other transcripts: intron variant (1).
Genome position (GRCh38, 1-based): chr11:681,062, A>G on the plus strand (T>C on the coding strand, the complement: DEAF1 is on the minus strand). VCF-style: chr11-681062-A-G. GRCh37 (hg19) VCF-style: chr11-681062-A-G.
Other names: c.172T>C, p.Tyr58His (NM_001367390.1, NM_001440885.1, NM_001440886.1 and 1 more transcripts); c.898T>C, p.Tyr300His (NM_001440883.1, NM_001440884.1); c.731-1246T>C (NM_001293634.2); short protein forms Y300H, Y58H.
Identifiers: ClinVar variation 3573604 (VCV003573604.1).

ClinVar aggregate classification (germline): Uncertain significance (1 of 4 stars; one submission).

gnomAD v4.1: 1 of 1,613,984 alleles (0.000062%); highest among the groups gnomAD compares: Non-Finnish European, 0.000085%; no homozygotes.

Submission:

GeneDx
Classification: Uncertain significance. Last evaluated: 2024-07-14. Review status: criteria provided, single submitter. Criteria: GeneDx Variant Classification Process June 2021. Collection method: clinical testing. Allele origin: germline. Affected: yes.
Comment: Not observed at significant frequency in large population cohorts (gnomAD); In silico analysis supports that this missense variant has a deleterious effect on protein structure/function; Has not been previously published as pathogenic or benign to our knowledge